The following is an entry in ClinVar:

ClinVar aggregate classification (germline): Uncertain significance (1 of 4 stars; one submission).

Submission:

Labcorp Genetics (formerly Invitae), Labcorp
Classification: Uncertain significance. Last evaluated: 2022-10-30. Review status: criteria provided, single submitter. Criteria: Invitae Variant Classification Sherloc (09022015). Collection method: clinical testing. Allele origin: germline.
Comment: In summary, the available evidence is currently insufficient to determine the role of this variant in disease. Therefore, it has been classified as a Variant of Uncertain Significance. Experimental studies and prediction algorithms are not available or were not evaluated, and the functional significance of this variant is currently unknown. This variant has not been reported in the literature in individuals affected with TAB2-related conditions. This variant is present in population databases (rs781741565, gnomAD 0.03%). This variant, c.1771_1773del, results in the deletion of 1 amino acid(s) of the TAB2 protein (p.Glu591del), but otherwise preserves the integrity of the reading frame.

NM_001292034.3(TAB2):c.1768GAA[1] (p.Glu591del)

Gene: TAB2 (TGF-beta activated kinase 1 (MAP3K7) binding protein 2; plus strand). Cytogenetic location: 6q25.1.
Variant type: Microsatellite.
Coding change: c.1768GAA[1] on transcript NM_001292034.3 (MANE Select); one copy of the 3-base unit GAA starting at c.1768; the reference has two copies in a row; one copy, 3 bases deleted.
Protein change: p.Glu591del; deletes glutamic acid 591.
Molecular consequence: inframe deletion.
Genome position (GRCh38, 1-based): chr6:149,397,975-149,397,977, GAA deleted; deleting any 3 consecutive bases within chr6:149,397,972-149,397,977 gives the same sequence; the position shown is the placement nearest the transcript's 3' end. VCF-style (leftmost placement, unchanged base first): chr6-149397971-TGAA-T. GRCh37 (hg19) VCF-style: chr6-149719107-TGAA-T.
Other names: c.1672GAA[1], p.Glu559del (NM_001292035.3); c.1768GAA[1], p.Glu591del (NM_001369506.1, NM_015093.6); short protein forms E559del, E591del.
Identifiers: ClinVar variation 2898468 (VCV002898468.3), dbSNP rs781741565, ClinGen allele CA4041622.
Genomic context (GRCh38, chr6:149,397,971, plus strand): 5'-TATTAACTAATGACTAAGAATTCAGTGCAAATCTTACTTACATAGAATTATTTTTCAGCT[TGAA>T]GAAATGCAGCAGCTGAGAAGTTGTAATAGACAACTCCAGATTGACATTGACTGCTTAACC-3'